The following is an entry in ClinVar:

NM_001164508.2(NEB):c.8162G>A (p.Arg2721His)

Gene: NEB (nebulin; minus strand). Cytogenetic location: 2q23.3.
Variant type: single nucleotide variant.
Coding change: c.8162G>A on transcript NM_001164508.2 (MANE Select); coding-DNA position 8162, G replaced by A.
Protein change: p.Arg2721His; replaces arginine 2721 with histidine.
Molecular consequence: missense variant.
Genome position (GRCh38, 1-based): chr2:151,642,868, C>T on the plus strand (G>A on the coding strand, the complement: NEB is on the minus strand). VCF-style: chr2-151642868-C-T. GRCh37 (hg19) VCF-style: chr2-152499382-C-T.
Other names: c.8162G>A, p.Arg2721His (NM_001164507.2, NM_001271208.2, NM_004543.5); short protein forms R2721H.
Identifiers: ClinVar variation 465644 (VCV000465644.6), dbSNP rs753996512, ClinGen allele CA1909656.

ClinVar aggregate classification (germline): Uncertain significance. Review status: criteria provided, single submitter (1 of 4 stars). 2 submissions from 2 submitters: Uncertain significance (1). 1 of the submissions does not count toward it. Last evaluated 2022-08-15.

Conditions:
Nemaline myopathy 2 (NEM2). Also called: Nemaline myopathy 2, autosomal recessive. Identifiers: MedGen C1850569, MONDO:0009725, OMIM 256030.

Allele frequency attached by ClinVar (database versions not stated): ExAC 0.00001; gnomAD 0.00001; gnomAD exomes 0.00001; TOPMed 0.00001.
gnomAD v4.1: 19 of 1,601,674 alleles (0.0012%); highest among the groups gnomAD compares: East Asian, 0.0022%; no homozygotes.

Submissions (2):

Labcorp Genetics (formerly Invitae), Labcorp
Classification: Uncertain significance for Nemaline myopathy 2. Last evaluated: 2022-08-15. Review status: criteria provided, single submitter. Criteria: Invitae Variant Classification Sherloc (09022015). Collection method: clinical testing. Allele origin: germline.
Comment: This sequence change replaces arginine, which is basic and polar, with histidine, which is basic and polar, at codon 2721 of the NEB protein (p.Arg2721His). This variant is present in population databases (rs753996512, gnomAD 0.002%). This variant has not been reported in the literature in individuals affected with NEB-related conditions. ClinVar contains an entry for this variant (Variation ID: 465644). Algorithms developed to predict the effect of missense changes on protein structure and function are either unavailable or do not agree on the potential impact of this missense change (SIFT: "Tolerated"; PolyPhen-2: "Not Available"; Align-GVGD: "Class C0"). In summary, the available evidence is currently insufficient to determine the role of this variant in disease. Therefore, it has been classified as a Variant of Uncertain Significance.

Natera, Inc.
Classification: Uncertain significance for Nemaline myopathy type 2. Last evaluated: 2019-11-11. Review status: no assertion criteria provided. Collection method: clinical testing. Allele origin: germline. Not counted in ClinVar's aggregate classification.